The following is an entry in ClinVar:

NM_052945.4(TNFRSF13C):c.245C>T (p.Pro82Leu)

Genes: TNFRSF13C (TNF receptor superfamily member 13C; minus strand), LOC130067574 (ATAC-STARR-seq lymphoblastoid silent region 13813; plus strand). Cytogenetic location: 22q13.2.
Variant type: single nucleotide variant.
Coding change: c.245C>T on transcript NM_052945.4 (MANE Select); coding-DNA position 245, C replaced by T.
Protein change: p.Pro82Leu; replaces proline 82 with leucine.
Molecular consequence: missense variant.
Genome position (GRCh38, 1-based): chr22:41,926,223, G>A on the plus strand (C>T on the coding strand, the complement: TNFRSF13C is on the minus strand). VCF-style: chr22-41926223-G-A. GRCh37 (hg19) VCF-style: chr22-42322227-G-A.
Other names: short protein forms P82L.
Identifiers: ClinVar variation 1477254 (VCV001477254.8), dbSNP rs2077629301, ClinGen allele CA411763208.
Genomic context (GRCh38, chr22:41,926,223, plus strand): 5'-CTCCAGCTCACCAGACCCACCAGGACCAGCGCCAGGACCAGTGCCAGGCCCAGCAGCGCG[G>A]GGGCGCCAAAGAGCAGCCCGGGCAGGGGCAGCGCCGCCTCGCCGGCCCCCGCGCCCACCG-3'
Protein context (NP_443177.1, residues 72-92): LPLPGLLFGA[Pro82Leu]ALLGLALVLA

ClinVar aggregate classification (germline): Uncertain significance (1 of 4 stars; one submission).

Conditions:
Immunodeficiency, common variable, 4. Also called: ANTIBODY DEFICIENCY DUE TO BAFFR DEFECT. Identifiers: Orphanet 1572, Orphanet 696925, MedGen C3150739, MONDO:0013284, OMIM 613494.

Allele frequency attached by ClinVar (database versions not stated): gnomAD exomes below 0.00001.
gnomAD v4.1: 2 of 1,594,422 alleles (0.00013%); highest among the groups gnomAD compares: East Asian, 0.0045%; no homozygotes.

Submission:

Labcorp Genetics (formerly Invitae), Labcorp
Classification: Uncertain significance for Immunodeficiency, common variable, 4. Last evaluated: 2025-03-27. Review status: criteria provided, single submitter. Criteria: Invitae Variant Classification Sherloc (09022015). Collection method: clinical testing. Allele origin: germline.
Comment: This sequence change replaces proline, which is neutral and non-polar, with leucine, which is neutral and non-polar, at codon 82 of the TNFRSF13C protein (p.Pro82Leu). This variant is not present in population databases (gnomAD no frequency). This variant has not been reported in the literature in individuals affected with TNFRSF13C-related conditions. ClinVar contains an entry for this variant (Variation ID: 1477254). An algorithm developed to predict the effect of missense changes on protein structure and function (PolyPhen-2) suggests that this variant is likely to be disruptive. In summary, the available evidence is currently insufficient to determine the role of this variant in disease. Therefore, it has been classified as a Variant of Uncertain Significance.